The following is an entry in ClinVar:

NM_020207.7(ERCC6L2):c.509G>T (p.Gly170Val)

Gene: ERCC6L2 (ERCC excision repair 6 like 2; plus strand). Cytogenetic location: 9q22.32.
Variant type: single nucleotide variant.
Coding change: c.509G>T on transcript NM_020207.7 (MANE Select); coding-DNA position 509, G replaced by T.
Protein change: p.Gly170Val; replaces glycine 170 with valine.
Molecular consequence: missense variant. On other transcripts: non-coding transcript variant (1).
Genome position (GRCh38, 1-based): chr9:95,897,886, G>T. VCF-style: chr9-95897886-G-T. GRCh37 (hg19) VCF-style: chr9-98660168-G-T.
Other names: c.509G>T, p.Gly170Val (NM_001010895.4, NM_001375291.1, NM_001375292.1 and 2 more transcripts); short protein forms G170V.
Identifiers: ClinVar variation 2010204 (VCV002010204.4), dbSNP rs2489988535, ClinGen allele CA374119920.
Genomic context (GRCh38, chr9:95,897,886, plus strand): 5'-TTGAAAAAGTCTTTTTTCCCCAGGTTATTTCATTTCTGGCTGCAGTTTTGCATAAAAAGG[G>T]AACTCGTGAGGATATTGAAAATAACATGCCAGAGTTTTTACTAAGAAGTATGAAAAAGGA-3'
Protein context (NP_064592.3, residues 160-180): SFLAAVLHKK[Gly170Val]TREDIENNMP

ClinVar aggregate classification (germline): Uncertain significance (1 of 4 stars; one submission).

Submission:

Labcorp Genetics (formerly Invitae), Labcorp
Classification: Uncertain significance. Last evaluated: 2022-06-24. Review status: criteria provided, single submitter. Criteria: Invitae Variant Classification Sherloc (09022015). Collection method: clinical testing. Allele origin: germline.
Comment: In summary, the available evidence is currently insufficient to determine the role of this variant in disease. Therefore, it has been classified as a Variant of Uncertain Significance. Algorithms developed to predict the effect of missense changes on protein structure and function are either unavailable or do not agree on the potential impact of this missense change (SIFT: "Deleterious"; PolyPhen-2: "Not Available"; Align-GVGD: "Class C0"). This variant has not been reported in the literature in individuals affected with ERCC6L2-related conditions. This variant is not present in population databases (gnomAD no frequency). This sequence change replaces glycine, which is neutral and non-polar, with valine, which is neutral and non-polar, at codon 181 of the ERCC6L2 protein (p.Gly181Val).